The following is an entry in ClinVar:

NM_001105206.3(LAMA4):c.264C>T (p.Ser88=)

Gene: LAMA4 (laminin subunit alpha 4; minus strand). Cytogenetic location: 6q21.
Variant type: single nucleotide variant.
Coding change: c.264C>T on transcript NM_001105206.3 (MANE Select); coding-DNA position 264, C replaced by T.
Protein change: p.Ser88=; no amino-acid change (serine 88 retained).
Molecular consequence: synonymous variant.
Genome position (GRCh38, 1-based): chr6:112,216,401, G>A on the plus strand (C>T on the coding strand, the complement: LAMA4 is on the minus strand). VCF-style: chr6-112216401-G-A. GRCh37 (hg19) VCF-style: chr6-112537602-G-A.
Other names: c.264C>T, p.Ser88= (NM_001105207.3, NM_002290.5).
Identifiers: ClinVar variation 44365 (VCV000044365.23), dbSNP rs201152817, ClinGen allele CA134026.

ClinVar aggregate classification (germline): Benign/Likely benign. Review status: criteria provided, multiple submitters, no conflicts (2 of 4 stars). 8 submissions from 8 submitters: Benign (2); Likely benign (3). 3 of the submissions do not count toward it. Last evaluated 2025-11-10.

Conditions:
Cardiovascular phenotype. Identifiers: MedGen CN230736.
Dilated cardiomyopathy 1JJ (CMD1JJ). Identifiers: Orphanet 154, MedGen C3808935, MONDO:0014095, OMIM 615235.
Cardiomyopathy (CMYO). Also called: Cardiomyopathies. Identifiers: Orphanet 167848, MedGen C0878544, MONDO:0004994, HP:0001638. Inheritance: Various modes of inheritance.

Allele frequency attached by ClinVar (database versions not stated): gnomAD below 0.00001 and 0.00007; TOPMed 0.00003; gnomAD exomes 0.00019 and 0.00040; ExAC 0.00042; 1000 Genomes Project 30x 0.00078; 1000 Genomes Project 0.00100.
gnomAD v4.1: 293 of 1,613,960 alleles (0.018%); highest among the groups gnomAD compares: South Asian, 0.3%; 3 homozygotes.

Submissions (8):

Labcorp Genetics (formerly Invitae), Labcorp
Classification: Benign for Dilated cardiomyopathy 1JJ. Last evaluated: 2025-11-10. Review status: criteria provided, single submitter. Criteria: Invitae Variant Classification Sherloc (09022015). Collection method: clinical testing. Allele origin: germline.

GeneDx
Classification: Likely benign. Last evaluated: 2020-09-30. Review status: criteria provided, single submitter. Criteria: GeneDx Variant Classification Process June 2021. Collection method: clinical testing. Allele origin: germline. Affected: yes.

CHEO Genetics Diagnostic Laboratory, Children's Hospital of Eastern Ontario
Classification: Benign for Cardiomyopathy. Last evaluated: 2017-09-07. Review status: criteria provided, single submitter. Criteria: ACMG Guidelines, 2015. Collection method: clinical testing. Allele origin: germline. Study: Canadian Open Genetics Repository.

Ambry Genetics
Classification: Likely benign for Cardiovascular phenotype. Last evaluated: 2017-02-16. Review status: criteria provided, single submitter. Criteria: Ambry Variant Classification Scheme 2023. Collection method: clinical testing. Allele origin: germline.

Laboratory for Molecular Medicine, Mass General Brigham Personalized Medicine
Classification: Likely benign. Last evaluated: 2015-03-11. Review status: criteria provided, single submitter. Criteria: LMM Criteria. Collection method: clinical testing. Allele origin: germline. Observed: 3 variant alleles.
Comment: p.Ser88Ser in exon 3 of LAMA4: This variant is not expected to have clinical sig nificance because it does not alter an amino acid residue and is not located nea r a splice junction. It has been identified in 0.3% (50/16508) of South Asian ch romosomes by the Exome Aggregation Consortium (ExAC. org; dbSNP rs201152817).

Clinical Genetics DNA and cytogenetics Diagnostics Lab, Erasmus MC, Erasmus Medical Center
Classification: Likely benign. Review status: no assertion criteria provided. Collection method: clinical testing. Allele origin: germline. Affected: yes. Study: VKGL Data-share Consensus. Not counted in ClinVar's aggregate classification.

Clinical Genetics, Academic Medical Center
Classification: Benign. Review status: no assertion criteria provided. Collection method: clinical testing. Allele origin: germline. Affected: yes. Study: VKGL Data-share Consensus. Not counted in ClinVar's aggregate classification.

Diagnostic Laboratory, Department of Genetics, University Medical Center Groningen
Classification: Likely benign for Dilated cardiomyopathy 1JJ. Review status: no assertion criteria provided. Collection method: clinical testing. Allele origin: germline. Affected: yes. Study: VKGL Data-share Consensus. Not counted in ClinVar's aggregate classification.